The following is an entry in ClinVar:

ClinVar aggregate classification (germline): Conflicting classifications of pathogenicity. Review status: criteria provided, conflicting classifications (1 of 4 stars). 2 submissions from 2 submitters: Likely pathogenic (1); Uncertain significance (1). Last evaluated 2025-11-24.

Conditions:
Primary ciliary dyskinesia. Also called: Ciliary dyskinesia. Identifiers: Orphanet 244, MedGen C0008780, MONDO:0016575, HP:0012265.

Submissions (2):

Women's Health and Genetics/Laboratory Corporation of America, LabCorp
Classification: Uncertain significance. Last evaluated: 2025-11-24. Review status: criteria provided, single submitter. Criteria: LabCorp Variant Classification Summary - May 2015. Collection method: clinical testing. Allele origin: germline.
Comment: Variant summary: DNAH5 c.6908G>C (p.Gly2303Ala) results in a non-conservative amino acid change in the encoded protein sequence. Algorithms developed to predict the effect of missense changes on protein structure and function all suggest that this variant is likely to be disruptive. The variant was absent in 251458 control chromosomes. The available data on variant occurrences in the general population are insufficient to allow any conclusion about variant significance. c.6908G>C has been observed in an individual affected with Primary ciliary dyskinesia 3 (Pifferi_2021). These report(s) do not provide unequivocal conclusions about association of the variant with Primary ciliary dyskinesia 3. To our knowledge, no experimental evidence demonstrating an impact on protein function has been reported. The following publication have been ascertained in the context of this evaluation (PMID: 33760720). ClinVar contains an entry for this variant (Variation ID: 2770793). Based on the evidence outlined above, the variant was classified as uncertain significance.

Labcorp Genetics (formerly Invitae), Labcorp
Classification: Likely pathogenic for Primary ciliary dyskinesia. Last evaluated: 2024-08-28. Review status: criteria provided, single submitter. Criteria: Invitae Variant Classification Sherloc (09022015). Collection method: clinical testing. Allele origin: germline.
Comment: This sequence change replaces glycine, which is neutral and non-polar, with alanine, which is neutral and non-polar, at codon 2303 of the DNAH5 protein (p.Gly2303Ala). This variant is not present in population databases (gnomAD no frequency). This missense change has been observed in individual(s) with clinical features of DNAH5-related conditions (internal data). In at least one individual the data is consistent with being in trans (on the opposite chromosome) from a pathogenic variant. Invitae Evidence Modeling of protein sequence and biophysical properties (such as structural, functional, and spatial information, amino acid conservation, physicochemical variation, residue mobility, and thermodynamic stability) indicates that this missense variant is expected to disrupt DNAH5 protein function with a positive predictive value of 95%. In summary, the currently available evidence indicates that the variant is pathogenic, but additional data are needed to prove that conclusively. Therefore, this variant has been classified as Likely Pathogenic.

Literature cited by the submitters: PubMed 33760720 (cited by Women's Health and Genetics/Laboratory Corporation of America, LabCorp).

NM_001369.3(DNAH5):c.6908G>C (p.Gly2303Ala)

Gene: DNAH5 (dynein axonemal heavy chain 5; minus strand). Cytogenetic location: 5p15.2.
Variant type: single nucleotide variant.
Coding change: c.6908G>C on transcript NM_001369.3 (MANE Select); coding-DNA position 6908, G replaced by C.
Protein change: p.Gly2303Ala; replaces glycine 2303 with alanine.
Molecular consequence: missense variant.
Genome position (GRCh38, 1-based): chr5:13,817,628, C>G on the plus strand (G>C on the coding strand, the complement: DNAH5 is on the minus strand). VCF-style: chr5-13817628-C-G. GRCh37 (hg19) VCF-style: chr5-13817737-C-G.
Other names: short protein forms G2303A.
Identifiers: ClinVar variation 2770793 (VCV002770793.4), dbSNP rs1580399696, ClinGen allele CA359193036.